The following is an entry in ClinVar:

NM_002291.3(LAMB1):c.1370-18C>T

Gene: LAMB1 (laminin subunit beta 1; minus strand). Cytogenetic location: 7q31.1.
Variant type: single nucleotide variant.
Coding change: c.1370-18C>T on transcript NM_002291.3 (MANE Select); 18 bases into the intron before coding-DNA position 1370, C replaced by T.
Molecular consequence: intron variant.
Genome position (GRCh38, 1-based): chr7:107,975,116, G>A on the plus strand (C>T on the coding strand, the complement: LAMB1 is on the minus strand). VCF-style: chr7-107975116-G-A. GRCh37 (hg19) VCF-style: chr7-107615561-G-A.
Identifiers: ClinVar variation 382904 (VCV000382904.11), dbSNP rs79590733, ClinGen allele CA4436040.

ClinVar aggregate classification (germline): Benign/Likely benign. Review status: criteria provided, multiple submitters, no conflicts (2 of 4 stars). 3 submissions from 3 submitters: Benign (1); Likely benign (2). Last evaluated 2026-01-19.

Allele frequency attached by ClinVar (database versions not stated): gnomAD exomes 0.00041 and 0.00112; ExAC 0.00132; gnomAD 0.00399 and 0.00436; ESP Exome Variant Server 0.00415; 1000 Genomes Project 0.00419; TOPMed 0.00437; 1000 Genomes Project 30x 0.00453.
gnomAD v4.1: 1,222 of 1,562,386 alleles (0.078%); highest among the groups gnomAD compares: African/African-American, 1.3%; 5 homozygotes.

Submissions (3):

Labcorp Genetics (formerly Invitae), Labcorp
Classification: Benign. Last evaluated: 2026-01-19. Review status: criteria provided, single submitter. Criteria: Invitae Variant Classification Sherloc (09022015). Collection method: clinical testing. Allele origin: germline.

Blueprint Genetics
Classification: Likely benign. Last evaluated: 2024-11-26. Review status: criteria provided, single submitter. Criteria: ACMG Guidelines, 2015. Collection method: clinical testing. Allele origin: germline.

GeneDx
Classification: Likely benign. Last evaluated: 2016-01-27. Review status: criteria provided, single submitter. Criteria: GeneDx Variant Classification (06012015). Collection method: clinical testing. Allele origin: germline. Affected: yes.
Comment: This variant is considered likely benign or benign based on one or more of the following criteria: it is a conservative change, it occurs at a poorly conserved position in the protein, it is predicted to be benign by multiple in silico algorithms, and/or has population frequency not consistent with disease.